The following is an entry in ClinVar:

NM_000051.4(ATM):c.6667del (p.Ile2223fs)

Genes: ATM (ATM serine/threonine kinase; plus strand), C11orf65 (chromosome 11 open reading frame 65; minus strand). Cytogenetic location: 11q22.3.
Variant type: Deletion.
Coding change: c.6667del on transcript NM_000051.4 (MANE Select); coding-DNA position 6667, one base deleted (A; older notation c.6667delA).
Protein change: p.Ile2223fs; shifts the reading frame from isoleucine 2223.
Molecular consequence: frameshift variant. On other transcripts: intron variant (2).
Genome position (GRCh38, 1-based): chr11:108,325,404, A deleted. VCF-style (leftmost placement, unchanged base first): chr11-108325403-TA-T. GRCh37 (hg19) VCF-style: chr11-108196130-TA-T.
Other names: c.6667del, p.Ile2223fs (NM_001351834.2); c.641-16333del (NM_001330368.2); c.*38+9816del (NM_001351110.2); short protein forms I2223fs.
Identifiers: ClinVar variation 236756 (VCV000236756.8), dbSNP rs878853533, ClinGen allele CA10582841.

ClinVar aggregate classification (germline): Pathogenic (1 of 4 stars; one submission).

Conditions:
Ataxia-telangiectasia syndrome (AT). Also called: Ataxia telangiectasia (A-T); Cerebello-oculocutaneous telangiectasia; Immunodeficiency with ataxia telangiectasia; LOUIS-BAR SYNDROME; AT, COMPLEMENTATION GROUP C; ATAXIA-TELANGIECTASIA, FRESNO VARIANT. Identifiers: Orphanet 100, MedGen C0004135, MONDO:0008840, OMIM 208900.

Submission:

Labcorp Genetics (formerly Invitae), Labcorp
Classification: Pathogenic for Ataxia-telangiectasia syndrome. Last evaluated: 2025-11-10. Review status: criteria provided, single submitter. Criteria: Invitae Variant Classification Sherloc (09022015). Collection method: clinical testing. Allele origin: germline.
Comment: This sequence change creates a premature translational stop signal (p.Ile2223Serfs*12) in the ATM gene. It is expected to result in an absent or disrupted protein product. Loss-of-function variants in ATM are known to be pathogenic (PMID: 23807571, 25614872). This variant is not present in population databases (gnomAD no frequency). This variant has not been reported in the literature in individuals affected with ATM-related conditions. ClinVar contains an entry for this variant (Variation ID: 236756). For these reasons, this variant has been classified as Pathogenic.

Literature cited by the submitters: PubMed 23807571; PubMed 25614872.